The following is an entry in ClinVar:

ClinVar aggregate classification (germline): Likely benign (0 of 4 stars; one submission).

Conditions:
UNC13A-related disorder. Also called: UNC13A-related condition.

gnomAD v4.1: 21 of 1,558,222 alleles (0.0013%); highest among the groups gnomAD compares: Middle Eastern, 0.02%; no homozygotes.

Submission:

PreventionGenetics, part of Exact Sciences
Classification: Likely benign for UNC13A-related condition. Last evaluated: 2021-11-23. Review status: no assertion criteria provided. Collection method: clinical testing. Allele origin: germline.
Comment: This variant is classified as likely benign based on ACMG/AMP sequence variant interpretation guidelines (Richards et al. 2015 PMID: 25741868, with internal and published modifications).

NM_001080421.3(UNC13A):c.2044+10C>T

Gene: UNC13A (unc-13 homolog A; minus strand). Cytogenetic location: 19p13.11.
Variant type: single nucleotide variant.
Coding change: c.2044+10C>T on transcript NM_001080421.3 (MANE Select); 10 bases into the intron after coding-DNA position 2044, C replaced by T.
Molecular consequence: intron variant.
Genome position (GRCh38, 1-based): chr19:17,647,255, G>A on the plus strand (C>T on the coding strand, the complement: UNC13A is on the minus strand). VCF-style: chr19-17647255-G-A. GRCh37 (hg19) VCF-style: chr19-17758064-G-A.
Other names: c.2038+10C>T (NM_001387022.1, NM_001387023.1, NM_001387021.1).
Identifiers: ClinVar variation 3029197 (VCV003029197.2), dbSNP rs1369752575, ClinGen allele CA632054572.